The following is an entry in ClinVar:

ClinVar aggregate classification (germline): Likely benign (0 of 4 stars; one submission).

Conditions:
CBFB-related disorder. Also called: CBFB-related condition.

Submission:

PreventionGenetics, part of Exact Sciences
Classification: Likely benign for CBFB-related condition. Last evaluated: 2019-03-29. Review status: no assertion criteria provided. Collection method: clinical testing. Allele origin: germline.
Comment: This variant is classified as likely benign based on ACMG/AMP sequence variant interpretation guidelines (Richards et al. 2015 PMID: 25741868, with internal and published modifications).

NM_022845.3(CBFB):c.*2dup

Gene: CBFB (core-binding factor subunit beta; plus strand). Cytogenetic location: 16q22.1.
Variant type: Duplication.
Coding change: c.*2dup on transcript NM_022845.3 (MANE Select); 2 bases downstream of the stop codon, one base duplicated (T; older notation c.*2dupT).
Molecular consequence: 3 prime UTR variant.
Genome position (GRCh38, 1-based): chr16:67,098,780, T duplicated; the last of 2 consecutive T bases (chr16:67,098,779-67,098,780); duplicating either gives the same sequence. VCF-style (leftmost placement, unchanged base first): chr16-67098778-A-AT. GRCh37 (hg19) VCF-style: chr16-67132681-A-AT.
Other names: c.*2dup (NM_001368707.1, NM_001368708.1); c.*48dup (NM_001368709.1, NM_001368710.1, NM_001755.3).
Identifiers: ClinVar variation 3046641 (VCV003046641.2), dbSNP rs774590494, ClinGen allele CA8100374.